The following is an entry in ClinVar:

ClinVar aggregate classification (germline): Uncertain significance. Review status: criteria provided, multiple submitters, no conflicts (2 of 4 stars). 7 submissions from 6 submitters: Uncertain significance (6). 1 of the submissions does not count toward it. Last evaluated 2025-07-29.

Conditions:
USH2A-related disorder. Also called: USH2A-related disorders; USH2A-related condition. Identifiers: MedGen CN239332.
Retinitis pigmentosa 39 (RP39). Identifiers: Orphanet 791, MedGen C3151138, MONDO:0013436, OMIM 613809.
Usher syndrome type 2A. Also called: RETINAL DISEASE IN USHER SYNDROME TYPE IIA, MODIFIER OF; USHER SYNDROME, TYPE IIA. Identifiers: Orphanet 231178, Orphanet 886, MedGen C1848634, MONDO:0010169, OMIM 276901.

Allele frequency attached by ClinVar (database versions not stated): gnomAD 0.00001 and 0.00002; gnomAD exomes 0.00001 and 0.00002; ExAC 0.00002; TOPMed 0.00002.
gnomAD v4.1: 16 of 1,613,978 alleles (0.00099%); highest among the groups gnomAD compares: South Asian, 0.0044%; no homozygotes.

Submissions (7):

PreventionGenetics, part of Exact Sciences
Classification: Uncertain significance for USH2A-related condition. Last evaluated: 2025-07-29. Review status: criteria provided, single submitter. Criteria: ACMG Guidelines, 2015. Collection method: clinical testing. Allele origin: germline.
Comment: The USH2A c.8741G>A variant is predicted to result in the amino acid substitution p.Arg2914Gln. This variant has been reported in an individual with non-syndromic retinitis pigmentosa together with two additional USH2A variants (Table S2, Zhu et al. 2021. PubMed ID: 32675063). This variant is reported in 0.0098% of alleles in individuals of South Asian descent in gnomAD. At this time, the clinical significance of this variant is uncertain due to the absence of conclusive functional and genetic evidence.

Labcorp Genetics (formerly Invitae), Labcorp
Classification: Uncertain significance. Last evaluated: 2024-02-24. Review status: criteria provided, single submitter. Criteria: Invitae Variant Classification Sherloc (09022015). Collection method: clinical testing. Allele origin: germline.
Comment: This sequence change replaces arginine, which is basic and polar, with glutamine, which is neutral and polar, at codon 2914 of the USH2A protein (p.Arg2914Gln). This variant is present in population databases (rs760779633, gnomAD 0.01%). This missense change has been observed in individual(s) with USH2A-related conditions (PMID: 32675063). ClinVar contains an entry for this variant (Variation ID: 937922). Advanced modeling of protein sequence and biophysical properties (such as structural, functional, and spatial information, amino acid conservation, physicochemical variation, residue mobility, and thermodynamic stability) performed at Invitae indicates that this missense variant is not expected to disrupt USH2A protein function with a negative predictive value of 95%. In summary, the available evidence is currently insufficient to determine the role of this variant in disease. Therefore, it has been classified as a Variant of Uncertain Significance.

Genome-Nilou Lab
Classification: Uncertain significance for Retinitis pigmentosa 39. Last evaluated: 2023-11-04. Review status: criteria provided, single submitter. Criteria: ACMG Guidelines, 2015. Collection method: clinical testing. Allele origin: germline. Affected: no.

Genome-Nilou Lab
Classification: Uncertain significance for Usher syndrome type 2A. Last evaluated: 2023-11-04. Review status: criteria provided, single submitter. Criteria: ACMG Guidelines, 2015. Collection method: clinical testing. Allele origin: germline. Affected: no.

Blueprint Genetics
Classification: Uncertain significance. Last evaluated: 2021-01-08. Review status: criteria provided, single submitter. Criteria: ACMG Guidelines, 2015. Collection method: clinical testing. Allele origin: germline.

GeneDx
Classification: Uncertain significance. Last evaluated: 2019-07-05. Review status: criteria provided, single submitter. Criteria: GeneDx Variant Classification Process June 2021. Collection method: clinical testing. Allele origin: germline. Affected: yes.
Comment: In silico analysis, which includes protein predictors and evolutionary conservation, supports that this variant does not alter protein structure/function; Has not been previously published as pathogenic or benign to our knowledge

Natera, Inc.
Classification: Uncertain significance for Usher syndrome type 2A. Last evaluated: 2020-02-13. Review status: no assertion criteria provided. Collection method: clinical testing. Allele origin: germline. Not counted in ClinVar's aggregate classification.

Literature cited by the submitters: PubMed 32675063 (cited by Labcorp Genetics (formerly Invitae), Labcorp).

NM_206933.4(USH2A):c.8741G>A (p.Arg2914Gln)

Gene: USH2A (usherin; minus strand). Cytogenetic location: 1q41.
Variant type: single nucleotide variant.
Coding change: c.8741G>A on transcript NM_206933.4 (MANE Select); coding-DNA position 8741, G replaced by A.
Protein change: p.Arg2914Gln; replaces arginine 2914 with glutamine.
Molecular consequence: missense variant.
Genome position (GRCh38, 1-based): chr1:215,867,111, C>T on the plus strand (G>A on the coding strand, the complement: USH2A is on the minus strand). VCF-style: chr1-215867111-C-T. GRCh37 (hg19) VCF-style: chr1-216040453-C-T.
Other names: short protein forms R2914Q.
Identifiers: ClinVar variation 937922 (VCV000937922.9), dbSNP rs760779633, ClinGen allele CA1394519.